The following is an entry in ClinVar:

NM_001080.3(ALDH5A1):c.638G>T (p.Arg213Leu)

Gene: ALDH5A1 (aldehyde dehydrogenase 5 family member A1; plus strand). Cytogenetic location: 6p22.3.
Variant type: single nucleotide variant.
Coding change: c.638G>T on transcript NM_001080.3 (MANE Select); coding-DNA position 638, G replaced by T.
Protein change: p.Arg213Leu; replaces arginine 213 with leucine.
Molecular consequence: missense variant.
Genome position (GRCh38, 1-based): chr6:24,504,897, G>T. VCF-style: chr6-24504897-G-T. GRCh37 (hg19) VCF-style: chr6-24505125-G-T.
Other names: c.638G>T, p.Arg213Leu (NM_001368954.1, NM_170740.1); short protein forms R213L.
Identifiers: ClinVar variation 1878461 (VCV001878461.3), dbSNP rs553257538, ClinGen allele CA362970038.

ClinVar aggregate classification (germline): Likely pathogenic (1 of 4 stars; one submission).

Conditions:
Succinate-semialdehyde dehydrogenase deficiency (SSADHD). Also called: Succinic Semialdehyde Dehydrogenase Deficiency; SSADH DEFICIENCY; 4-HYDROXYBUTYRIC ACIDURIA; GABA METABOLIC DEFECT. Identifiers: Orphanet 22, MedGen C0268631, MONDO:0010083, OMIM 271980.

Submission:

Elsea Laboratory, Baylor College of Medicine
Classification: Likely pathogenic for Succinate-semialdehyde dehydrogenase deficiency. Last evaluated: 2021-03-08. Review status: criteria provided, single submitter. Criteria: Martin et al. (J Child Neurol. 2021). Collection method: curation. Allele origin: germline. Affected: yes.
Comment: NAD binding domain

Literature cited by the submitters: PubMed 28186584; PubMed 33203024.